The following is an entry in ClinVar:

ClinVar aggregate classification (germline): Uncertain significance (1 of 4 stars; one submission).

Conditions:
Diamond-Blackfan anemia 7 (DBA7). Also called: RPL11-Related Diamond-Blackfan Anemia. Identifiers: Orphanet 124, MedGen C2675512, MONDO:0012938, OMIM 612562.

Submission:

Juno Genomics, Hangzhou Juno Genomics, Inc
Classification: Uncertain significance for Diamond-Blackfan anemia 7. Review status: criteria provided, single submitter. Criteria: ACMG Guidelines, 2015. Collection method: clinical testing. Allele origin: germline.
Comment: Absent from controls (or at extremely low frequency if recessive) in Genome Aggregation Database.;Multiple lines of computational evidence support a deleterious effect on the gene or gene product.

NM_000975.5(RPL11):c.507G>A (p.Lys169=)

Gene: RPL11 (ribosomal protein L11; plus strand). Cytogenetic location: 1p36.11.
Variant type: single nucleotide variant.
Coding change: c.507G>A on transcript NM_000975.5 (MANE Select); coding-DNA position 507, G replaced by A.
Protein change: p.Lys169=; no amino-acid change (lysine 169 retained).
Molecular consequence: synonymous variant.
Genome position (GRCh38, 1-based): chr1:23,695,908, G>A. VCF-style: chr1-23695908-G-A. GRCh37 (hg19) VCF-style: chr1-24022398-G-A.
Other names: c.504G>A, p.Lys168= (NM_001199802.1).
Identifiers: ClinVar variation 5006324 (VCV005006324.2).